The following is an entry in ClinVar:

ClinVar aggregate classification (germline): Uncertain significance. Review status: criteria provided, multiple submitters, no conflicts (2 of 4 stars). 2 submissions from 2 submitters: Uncertain significance (2). Last evaluated 2023-08-18.

Conditions:
Congenital myasthenic syndrome 12 (CMS12). Also called: Myasthenia, congenital, 12, with tubular aggregates; MYASTHENIC SYNDROME, CONGENITAL, WITH TUBULAR AGGREGATES 1. Identifiers: Orphanet 353327, Orphanet 590, MedGen C3552335, MONDO:0012518, OMIM 610542.

Allele frequency attached by ClinVar (database versions not stated): gnomAD exomes below 0.00001.
gnomAD v4.1: 1 of 1,612,134 alleles (0.000062%); highest among the groups gnomAD compares: Non-Finnish European, 0.000085%; no homozygotes.

Submissions (2):

Kariminejad - Najmabadi Pathology & Genetics Center
Classification: Uncertain significance for Congenital myasthenic syndrome 12. Last evaluated: 2023-08-18. Review status: criteria provided, single submitter. Criteria: ACMG Guidelines, 2015. Collection method: clinical testing. Allele origin: germline. Inheritance: Autosomal recessive inheritance. Affected: yes.
Comment: PM2- BP4

Labcorp Genetics (formerly Invitae), Labcorp
Classification: Uncertain significance for Congenital myasthenic syndrome 12. Last evaluated: 2022-11-22. Review status: criteria provided, single submitter. Criteria: Invitae Variant Classification Sherloc (09022015). Collection method: clinical testing. Allele origin: germline.
Comment: In summary, the available evidence is currently insufficient to determine the role of this variant in disease. Therefore, it has been classified as a Variant of Uncertain Significance. Algorithms developed to predict the effect of missense changes on protein structure and function (SIFT, PolyPhen-2, Align-GVGD) all suggest that this variant is likely to be tolerated. This missense change has been observed in individual(s) with clinical features of congenital myasthenic syndrome (PMID: 30124556). This variant is not present in population databases (gnomAD no frequency). This sequence change replaces asparagine, which is neutral and polar, with serine, which is neutral and polar, at codon 53 of the GFPT1 protein (p.Asn53Ser).

Literature cited by the submitters: PubMed 30124556 (cited by Labcorp Genetics (formerly Invitae), Labcorp).

NM_001244710.2(GFPT1):c.158A>G (p.Asn53Ser)

Gene: GFPT1 (glutamine--fructose-6-phosphate transaminase 1; minus strand). Cytogenetic location: 2p13.3.
Variant type: single nucleotide variant.
Coding change: c.158A>G on transcript NM_001244710.2 (MANE Select); coding-DNA position 158, A replaced by G.
Protein change: p.Asn53Ser; replaces asparagine 53 with serine.
Molecular consequence: missense variant.
Genome position (GRCh38, 1-based): chr2:69,370,066, T>C on the plus strand (A>G on the coding strand, the complement: GFPT1 is on the minus strand). VCF-style: chr2-69370066-T-C. GRCh37 (hg19) VCF-style: chr2-69597198-T-C.
Other names: c.158A>G, p.Asn53Ser (NM_002056.4); short protein forms N53S.
Identifiers: ClinVar variation 2910139 (VCV002910139.4), dbSNP rs1419345793, ClinGen allele CA347134850.
Genomic context (GRCh38, chr2:69,370,066, plus strand): 5'-ACTTCTTCATCCAGTGCCTTAACTTTTCCTTTCTTCTTAATAAGCTGGATTTTGCAGGCA[T>C]TGGCTTCCCAATCTTTATCATTGCCTCCATCAAATCCCACACCTAAACCATCATGAGGTA-3'
Protein context (NP_001231639.1, residues 43-63): DGGNDKDWEA[Asn53Ser]ACKIQLIKKK